The following is an entry in ClinVar:

NM_000350.3(ABCA4):c.1100-143G>A

Gene: ABCA4 (ATP binding cassette subfamily A member 4; minus strand). Cytogenetic location: 1p22.1.
Variant type: single nucleotide variant.
Coding change: c.1100-143G>A on transcript NM_000350.3 (MANE Select); 143 bases into the intron before coding-DNA position 1100, G replaced by A.
Molecular consequence: intron variant.
Genome position (GRCh38, 1-based): chr1:94,079,604, C>T on the plus strand (G>A on the coding strand, the complement: ABCA4 is on the minus strand). VCF-style: chr1-94079604-C-T. GRCh37 (hg19) VCF-style: chr1-94545160-C-T.
Identifiers: ClinVar variation 1227973 (VCV001227973.4), dbSNP rs2275035, ClinGen allele CA10776440.
Genomic context (GRCh38, chr1:94,079,604, plus strand): 5'-TGTCTCATTCAACTCCATGCTGGAGGATTTGATGAATAACCTAAATTAATAGGCTGTACC[C>T]CACCAATAACAAGCTCATCATTAGTAGCAAAATGCCACAGTGACTCTCAGTAATGGCCTC-3'

ClinVar aggregate classification (germline): Benign. Review status: criteria provided, multiple submitters, no conflicts (2 of 4 stars). 2 submissions from 2 submitters: Benign (2). Last evaluated 2018-06-26.

Allele frequency attached by ClinVar (database versions not stated): gnomAD exomes 0.26777; gnomAD 0.27633 and 0.28272; TOPMed 0.28357; 1000 Genomes Project 30x 0.35041; 1000 Genomes Project 0.35603.
gnomAD v4.1: 318,722 of 1,180,122 alleles (27%); highest among the groups gnomAD compares: East Asian, 54%; 46,606 homozygotes.

Submissions (2):

GeneDx
Classification: Benign. Last evaluated: 2018-06-26. Review status: criteria provided, single submitter. Criteria: GeneDx Variant Classification Process June 2021. Collection method: clinical testing. Allele origin: germline. Affected: yes.
Comment: This variant is associated with the following publications: (PMID: 28287101)

Breakthrough Genomics
Classification: Benign. Review status: criteria provided, single submitter. Criteria: ACMG Guidelines, 2015. Collection method: not provided. Allele origin: germline. Inheritance: Autosomal recessive inheritance. Affected: yes.